The following is an entry in ClinVar:

NM_001374504.1(TMPRSS6):c.530C>T (p.Ser177Leu)

Gene: TMPRSS6 (transmembrane serine protease 6; minus strand). Cytogenetic location: 22q12.3.
Variant type: single nucleotide variant.
Coding change: c.530C>T on transcript NM_001374504.1 (MANE Select); coding-DNA position 530, C replaced by T.
Protein change: p.Ser177Leu; replaces serine 177 with leucine.
Molecular consequence: missense variant.
Genome position (GRCh38, 1-based): chr22:37,095,965, G>A on the plus strand (C>T on the coding strand, the complement: TMPRSS6 is on the minus strand). VCF-style: chr22-37095965-G-A. GRCh37 (hg19) VCF-style: chr22-37492005-G-A.
Other names: p.Ser186Leu; c.530C>T, p.Ser177Leu (NM_001289000.2, NM_001289001.2, NM_153609.4); c.557C>T (NM_153609.3); short protein forms S177L.
Identifiers: ClinVar variation 899544 (VCV000899544.9), dbSNP rs139489941, ClinGen allele CA10216053.

ClinVar aggregate classification (germline): Uncertain significance. Review status: criteria provided, multiple submitters, no conflicts (2 of 4 stars). 6 submissions from 6 submitters: Uncertain significance (5). 1 of the submissions does not count toward it. Last evaluated 2025-01-27.

Conditions:
TMPRSS6-related disorder. Also called: TMPRSS6-related condition.
Microcytic anemia. Identifiers: MedGen C5194182, MONDO:0001245, HP:0001935. Disease mechanism: loss of function.
Iron-refractory iron deficiency anemia (IRIDA). Also called: ANEMIA, HYPOCHROMIC MICROCYTIC, WITH DEFECT IN IRON METABOLISM; IRIDA syndrome; IRON-HANDLING DISORDER, HEREDITARY; PSEUDO-IRON-DEFICIENCY ANEMIA. Identifiers: Orphanet 209981, MedGen C0085576, MONDO:0008788, OMIM 206200. Disease mechanism: loss of function.

Allele frequency attached by ClinVar (database versions not stated): gnomAD 0.00033 and 0.00030; ESP Exome Variant Server 0.00046; 1000 Genomes Project 30x 0.00062; 1000 Genomes Project 0.00040; ExAC 0.00021; TOPMed 0.00044.
gnomAD v4.1: 237 of 1,614,142 alleles (0.015%); highest among the groups gnomAD compares: African/African-American, 0.13%; 1 homozygote.

Submissions (6):

Mayo Clinic Laboratories, Mayo Clinic
Classification: Uncertain significance. Last evaluated: 2025-01-27. Review status: criteria provided, single submitter. Criteria: ACMG Guidelines, 2015. Collection method: clinical testing. Allele origin: germline. Observed: 2 variant alleles.

Blueprint Genetics
Classification: Uncertain significance. Last evaluated: 2024-10-23. Review status: criteria provided, single submitter. Criteria: ACMG Guidelines, 2015. Collection method: clinical testing. Allele origin: germline.

Genomic Medicine Center of Excellence, King Faisal Specialist Hospital and Research Centre
Classification: Uncertain significance for Iron-refractory iron deficiency anemia. Last evaluated: 2024-03-26. Review status: criteria provided, single submitter. Criteria: ACMG Guidelines, 2015. Collection method: clinical testing. Allele origin: germline.

Illumina Laboratory Services, Illumina
Classification: Uncertain significance for Iron-refractory iron deficiency anemia. Last evaluated: 2018-01-13. Review status: criteria provided, single submitter. Criteria: ICSL Variant Classification Criteria 13 December 2019. Collection method: clinical testing. Allele origin: germline.

Breakthrough Genomics
Classification: Uncertain significance. Review status: criteria provided, single submitter. Criteria: ACMG Guidelines, 2015. Collection method: not provided. Allele origin: germline. Inheritance: Autosomal dominant inheritance. Affected: yes.

PreventionGenetics, part of Exact Sciences
Classification: Uncertain significance for TMPRSS6-related condition. Last evaluated: 2024-05-21. Review status: no assertion criteria provided. Collection method: clinical testing. Allele origin: germline. Not counted in ClinVar's aggregate classification.
Comment: The TMPRSS6 c.557C>T variant is predicted to result in the amino acid substitution p.Ser186Leu. To our knowledge, this variant has not been reported in the literature. This variant is reported in 0.11% of alleles in individuals of African descent in gnomAD. Although we suspect that this variant may be benign, at this time, the clinical significance of this variant is uncertain due to the absence of conclusive functional and genetic evidence.

Literature cited by the submitters: PubMed 32446932 (cited by Mayo Clinic Laboratories, Mayo Clinic).